The following is an entry in ClinVar:

ClinVar aggregate classification (germline): Uncertain significance (1 of 4 stars; one submission).

Conditions:
Hereditary nonpolyposis colorectal neoplasms. Identifiers: MedGen C0009405, MeSH D003123.

Submission:

Labcorp Genetics (formerly Invitae), Labcorp
Classification: Uncertain significance for Hereditary nonpolyposis colorectal neoplasms. Last evaluated: 2020-10-20. Review status: criteria provided, single submitter. Criteria: Invitae Variant Classification Sherloc (09022015). Collection method: clinical testing. Allele origin: germline.
Comment: In summary, the available evidence is currently insufficient to determine the role of this variant in disease. Therefore, it has been classified as a Variant of Uncertain Significance. Experimental studies and prediction algorithms are not available or were not evaluated, and the functional significance of this variant is currently unknown. This variant has not been reported in the literature in individuals with PMS2-related conditions. The frequency data for this variant in the population databases (ExAC) is considered unreliable due to the presence of homologous sequence, such as pseudogenes or paralogs, in the genome. This variant, c.2259_2264del, results in the deletion of 2 amino acid(s) of the PMS2 protein (p.Val754_Ile755del), but otherwise preserves the integrity of the reading frame.

NM_000535.7(PMS2):c.2259_2264del (p.Val754_Ile755del)

Gene: PMS2 (PMS1 homolog 2, mismatch repair system component; minus strand). Cytogenetic location: 7p22.1.
Variant type: Deletion.
Coding change: c.2259_2264del on transcript NM_000535.7 (MANE Select); coding-DNA positions 2259 to 2264, 6 bases deleted (TGTTAT; older notation c.2259_2264delTGTTAT).
Protein change: p.Val754_Ile755del.
Molecular consequence: inframe deletion. On other transcripts: non-coding transcript variant (1).
Genome position (GRCh38, 1-based): chr7:5,978,607-5,978,612, ATAACA deleted on the plus strand (TGTTAT on the coding strand, the reverse complement: PMS2 is on the minus strand); deleting any 6 consecutive bases within chr7:5,978,607-5,978,613 gives the same sequence; the c. name uses the placement nearest the transcript's 3' end. VCF-style (leftmost placement, unchanged base first): chr7-5978606-GATAACA-G. GRCh37 (hg19) VCF-style: chr7-6018237-GATAACA-G.
Other names: c.1854_1859del, p.Val619_Ile620del (NM_001322003.2, NM_001322004.2, NM_001322005.2 and 1 more transcripts); c.2103_2108del, p.Val702_Ile703del (NM_001322006.2); c.1941_1946del, p.Val648_Ile649del (NM_001322007.2, NM_001322008.2); c.1698_1703del, p.Val567_Ile568del (NM_001322010.2); c.1326_1331del, p.Val443_Ile444del (NM_001322011.2, NM_001322012.2); c.1686_1691del, p.Val563_Ile564del (NM_001322013.2); c.2259_2264del, p.Val754_Ile755del (NM_001322014.2); c.1950_1955del, p.Val651_Ile652del (NM_001322015.2).
Identifiers: ClinVar variation 1053887 (VCV001053887.9), dbSNP rs2128682119, ClinGen allele CA2499218956.